The following is an entry in ClinVar:

ClinVar aggregate classification (germline): Uncertain significance (1 of 4 stars; one submission).

Conditions:
Gorlin syndrome. Also called: Nevoid Basal Cell Carcinoma Syndrome; Basal cell nevus syndrome. Identifiers: Orphanet 377, MedGen C0004779, MONDO:0007187.

gnomAD v4.1: 1 of 1,613,836 alleles (0.000062%); highest among the groups gnomAD compares: Non-Finnish European, 0.000085%; no homozygotes.

Submission:

Labcorp Genetics (formerly Invitae), Labcorp
Classification: Uncertain significance for Gorlin syndrome. Last evaluated: 2020-12-21. Review status: criteria provided, single submitter. Criteria: Invitae Variant Classification Sherloc (09022015). Collection method: clinical testing. Allele origin: germline.
Comment: This variant is not present in population databases (ExAC no frequency). This sequence change replaces threonine with arginine at codon 551 of the PTCH1 protein (p.Thr551Arg). The threonine residue is moderately conserved and there is a moderate physicochemical difference between threonine and arginine. This variant has not been reported in the literature in individuals with PTCH1-related conditions. In summary, the available evidence is currently insufficient to determine the role of this variant in disease. Therefore, it has been classified as a Variant of Uncertain Significance. Algorithms developed to predict the effect of sequence changes on RNA splicing suggest that this variant may create or strengthen a splice site, but this prediction has not been confirmed by published transcriptional studies. Advanced modeling of protein sequence and biophysical properties (such as structural, functional, and spatial information, amino acid conservation, physicochemical variation, residue mobility, and thermodynamic stability) performed at Invitae indicates that this missense variant is expected to disrupt PTCH1 protein function.

NM_000264.5(PTCH1):c.1652C>G (p.Thr551Arg)

Gene: PTCH1 (patched 1; minus strand). Cytogenetic location: 9q22.32.
Variant type: single nucleotide variant.
Coding change: c.1652C>G on transcript NM_000264.5 (MANE Select); coding-DNA position 1652, C replaced by G.
Protein change: p.Thr551Arg; replaces threonine 551 with arginine.
Molecular consequence: missense variant. On other transcripts: non-coding transcript variant (1).
Genome position (GRCh38, 1-based): chr9:95,476,110, G>C on the plus strand (C>G on the coding strand, the complement: PTCH1 is on the minus strand). VCF-style: chr9-95476110-G-C. GRCh37 (hg19) VCF-style: chr9-98238392-G-C.
Other names: c.1454C>G, p.Thr485Arg (NM_001083602.3); c.1649C>G, p.Thr550Arg (NM_001083603.3); c.1199C>G, p.Thr400Arg (NM_001083604.3, NM_001083605.3, NM_001083606.3 and 1 more transcripts); c.1496C>G, p.Thr499Arg (NM_001354918.2); short protein forms T400R, T499R, T551R, T550R, T485R.
Identifiers: ClinVar variation 1420100 (VCV001420100.8), dbSNP rs863224649, ClinGen allele CA374118028.